The following is an entry in ClinVar:

NM_032888.4(COL27A1):c.2335G>A (p.Val779Ile)

Gene: COL27A1 (collagen type XXVII alpha 1 chain; plus strand). Cytogenetic location: 9q32.
Variant type: single nucleotide variant.
Coding change: c.2335G>A on transcript NM_032888.4 (MANE Select); coding-DNA position 2335, G replaced by A.
Protein change: p.Val779Ile; replaces valine 779 with isoleucine.
Molecular consequence: missense variant.
Genome position (GRCh38, 1-based): chr9:114,210,994, G>A. VCF-style: chr9-114210994-G-A. GRCh37 (hg19) VCF-style: chr9-116973274-G-A.
Other names: short protein forms V779I.
Identifiers: ClinVar variation 2188928 (VCV002188928.4), dbSNP rs775130773, ClinGen allele CA5201809.

ClinVar aggregate classification (germline): Uncertain significance (1 of 4 stars; one submission).

Allele frequency attached by ClinVar (database versions not stated): ExAC 0.00002; gnomAD 0.00002; TOPMed 0.00002.
gnomAD v4.1: 15 of 1,614,068 alleles (0.00093%); highest among the groups gnomAD compares: East Asian, 0.0045%; no homozygotes.

Submission:

Labcorp Genetics (formerly Invitae), Labcorp
Classification: Uncertain significance. Last evaluated: 2023-08-19. Review status: criteria provided, single submitter. Criteria: Invitae Variant Classification Sherloc (09022015). Collection method: clinical testing. Allele origin: germline.
Comment: This variant is present in population databases (rs775130773, gnomAD 0.003%). This sequence change replaces valine, which is neutral and non-polar, with isoleucine, which is neutral and non-polar, at codon 779 of the COL27A1 protein (p.Val779Ile). This variant has not been reported in the literature in individuals affected with COL27A1-related conditions. ClinVar contains an entry for this variant (Variation ID: 2188928). Advanced modeling of protein sequence and biophysical properties (such as structural, functional, and spatial information, amino acid conservation, physicochemical variation, residue mobility, and thermodynamic stability) performed at Invitae indicates that this missense variant is not expected to disrupt COL27A1 protein function. In summary, the available evidence is currently insufficient to determine the role of this variant in disease. Therefore, it has been classified as a Variant of Uncertain Significance.